The following is an entry in ClinVar:

ClinVar aggregate classification (germline): Benign (1 of 4 stars; one submission).

Conditions:
Cleidocranial dysostosis (CLCD1). Also called: cleidocranial dysplasia 1; Marie-Sainton disease; Cleidocranial Dysplasia Spectrum Disorder. Identifiers: Orphanet 1452, MedGen C0008928, MONDO:0007340, OMIM 119600.

Allele frequency attached by ClinVar (database versions not stated): 1000 Genomes Project 0.00040; gnomAD 0.00086 and 0.00090; 1000 Genomes Project 30x 0.00094; TOPMed 0.00114.

Submission:

Illumina Laboratory Services, Illumina
Classification: Benign for Cleidocranial dysostosis. Last evaluated: 2018-01-12. Review status: criteria provided, single submitter. Criteria: ICSL Variant Classification Criteria 13 December 2019. Collection method: clinical testing. Allele origin: germline.
Comment: This variant was observed in the ICSL laboratory as part of a predisposition screen in an ostensibly healthy population. It had not been previously curated by ICSL or reported in the Human Gene Mutation Database (HGMD: prior to June 1st, 2018), and was therefore a candidate for classification through an automated scoring system. Utilizing variant allele frequency, disease prevalence and penetrance estimates, and inheritance mode, an automated score was calculated to assess if this variant is too frequent to cause the disease. Based on the score and internal cut-off values, a variant classified as benign is not then subjected to further curation. The score for this variant resulted in a classification of benign for this disease.

NM_001024630.4(RUNX2):c.*2657T>G

Gene: RUNX2 (RUNX family transcription factor 2; plus strand). Cytogenetic location: 6p21.1.
Variant type: single nucleotide variant.
Coding change: c.*2657T>G on transcript NM_001024630.4 (MANE Select); 2657 bases downstream of the stop codon, T replaced by G.
Molecular consequence: 3 prime UTR variant.
Genome position (GRCh38, 1-based): chr6:45,549,962, T>G. VCF-style: chr6-45549962-T-G. GRCh37 (hg19) VCF-style: chr6-45517699-T-G.
Other names: c.*2657T>G (NM_001015051.4, NM_001278478.2, NM_001369405.1).
Identifiers: ClinVar variation 357130 (VCV000357130.5), dbSNP rs537428636, ClinGen allele CA10622263.